The following is an entry in ClinVar:

ClinVar aggregate classification (germline): Pathogenic/Likely pathogenic. Review status: criteria provided, multiple submitters, no conflicts (2 of 4 stars). 6 submissions from 6 submitters: Pathogenic (2); Likely pathogenic (4). Last evaluated 2026-10-13.

Conditions:
Hereditary cancer-predisposing syndrome. Also called: Hereditary Cancer Syndrome; Hereditary neoplastic syndrome; Tumor predisposition; Neoplastic Syndromes, Hereditary. Identifiers: Orphanet 140162, MedGen C0027672, MeSH D009386, MONDO:0015356.
Cardiovascular phenotype. Identifiers: MedGen CN230736.
LZTR1-related disorder. Also called: LZTR1-related disorders; LZTR1-related condition.
LZTR1-related schwannomatosis. Also called: Schwannomatosis 2; Schwannomatosis-2, susceptibility to. Identifiers: Orphanet 93921, MedGen C3810283, MONDO:0014299, OMIM 615670.

Allele frequency attached by ClinVar (database versions not stated): gnomAD 0.00001; ESP Exome Variant Server 0.00008; TOPMed 0.00002; ExAC 0.00003; gnomAD exomes 0.00001.

Submissions (6):

GeneDx
Classification: Pathogenic. Last evaluated: 2026-10-13. Review status: criteria provided, single submitter. Criteria: GeneDx Variant Classification Process June 2021. Collection method: clinical testing. Allele origin: germline.
Comment: Reported in a patient with B-cell-precursor acute lymphoblastic leukemia in published literature (PMID: 38434521); Not observed at significant frequency in large population cohorts (gnomAD); Canonical splice site variant predicted to result in a null allele in a gene for which loss of function is a known mechanism of disease; This variant is associated with the following publications: (PMID: 38413718, 38434521)

Labcorp Genetics (formerly Invitae), Labcorp
Classification: Likely pathogenic. Last evaluated: 2025-12-14. Review status: criteria provided, single submitter. Criteria: Invitae Variant Classification Sherloc (09022015). Collection method: clinical testing. Allele origin: germline.
Comment: This sequence change affects a splice site in intron 4 of the LZTR1 gene. It is expected to disrupt RNA splicing. Variants that disrupt the donor or acceptor splice site typically lead to a loss of protein function (PMID: 16199547), and loss-of-function variants in LZTR1 are known to be pathogenic (PMID: 24362817, 25335493, 25480913, 25795793, 29469822, 30368668, 30442762, 30442766, 30481304, 30859559). This variant is present in population databases (rs769200796, gnomAD 0.006%). Disruption of this splice site has been observed in individual(s) with acute lymphoblastic leukemia (PMID: 38413718). ClinVar contains an entry for this variant (Variation ID: 930614). Algorithms developed to predict the effect of sequence changes on RNA splicing suggest that this variant may disrupt the consensus splice site. In summary, the currently available evidence indicates that the variant is pathogenic, but additional data are needed to prove that conclusively. Therefore, this variant has been classified as Likely Pathogenic.

Ambry Genetics
Classification: Likely pathogenic for Cardiovascular phenotype; Hereditary cancer-predisposing syndrome. Last evaluated: 2025-07-17. Review status: criteria provided, single submitter. Criteria: Ambry Variant Classification Scheme 2023. Collection method: clinical testing. Allele origin: germline.
Comment: The c.401-2_401-1delAG intronic variant results from a deletion of AG nucleotides between positions c.401-2 and c.401-1 and involves the canonical splice acceptor site before coding exon 5 of the LZTR1 gene. These nucleotide positions are highly conserved in available vertebrate species. In silico splice site analysis predicts that this alteration will weaken the native splice acceptor site. Alterations that disrupt the canonical splice site are expected to cause aberrant splicing, resulting in an abnormal protein or a transcript that is subject to nonsense-mediated mRNA decay, and RNA studies have demonstrated that this alteration results in abnormal splicing in the set of samples tested (Ambry internal data). Loss-of-function variants in LZTR1 are related to an increased risk for schwannomas and autosomal recessive Noonan syndrome; however, such associations with autosomal dominant Noonan syndrome have not been observed (Piotrowski A et al. Nat Genet. 2014 Feb;46:182-7; Yamamoto GL et al. J Med Genet. 2015 Jun;52:413-21; Johnston JJ et al. Genet Med. 2018 10;20:1175-1185). Based on the supporting evidence, this variant is likely pathogenic for an increased risk of LZTR1-related schwannomatosis (SWN) and would be expected to cause autosomal recessive Noonan syndrome when present along with a second pathogenic or likely pathogenic variant on the other allele; however, the association of this alteration with autosomal dominant Noonan syndrome is unlikely.

PreventionGenetics, part of Exact Sciences
Classification: Likely pathogenic for LZTR1-related condition. Last evaluated: 2023-03-24. Review status: criteria provided, single submitter. Criteria: ACMG Guidelines, 2015. Collection method: clinical testing. Allele origin: germline.
Comment: The LZTR1 c.401-2_401-1delAG variant is predicted to result in a deletion affecting a canonical splice site. To our knowledge, this variant has not been reported in any affected individuals. This variant is reported in 0.0055% of alleles in individuals of East Asian descent in gnomAD. This variant is predicted to abolish a canonical splice donor site. Canonical splice altering variants in LZTR1 are expected to be pathogenic for autosomal dominant susceptibility to schwannomatosis. This variant is interpreted as likely pathogenic for susceptibility to autosomal dominant schwannomatosis. In relation to autosomal dominant and recessive Noonan syndrome, this is a variant of uncertain significance, and based on variant type, it is not predicted to cause autosomal dominant Noonan.

Institute for Clinical Genetics, University Hospital TU Dresden, University Hospital TU Dresden
Classification: Likely pathogenic. Last evaluated: 2021-06-08. Review status: criteria provided, single submitter. Criteria: ACMG Guidelines, 2015. Collection method: clinical testing. Allele origin: germline.
Comment: PVS1

Centre for Mendelian Genomics, University Medical Centre Ljubljana
Classification: Pathogenic for LZTR1-related schwannomatosis. Last evaluated: 2020-03-31. Review status: criteria provided, single submitter. Criteria: ACMG Guidelines, 2015. Collection method: clinical testing. Allele origin: unknown. Affected: yes.
Comment: This variant was classified as: Pathogenic. The following ACMG criteria were applied in classifying this variant: PVS1,PM2,PP1.

Literature cited by the submitters: PubMed 16199547 (cited by Labcorp Genetics (formerly Invitae), Labcorp); PubMed 24362817 (cited by Labcorp Genetics (formerly Invitae), Labcorp); PubMed 25335493 (cited by Labcorp Genetics (formerly Invitae), Labcorp); PubMed 25480913 (cited by Labcorp Genetics (formerly Invitae), Labcorp); PubMed 25795793 (cited by Labcorp Genetics (formerly Invitae), Labcorp); PubMed 29469822 (cited by Labcorp Genetics (formerly Invitae), Labcorp); PubMed 30368668 (cited by Labcorp Genetics (formerly Invitae), Labcorp); PubMed 30442762 (cited by Labcorp Genetics (formerly Invitae), Labcorp); PubMed 30442766 (cited by Labcorp Genetics (formerly Invitae), Labcorp); PubMed 30481304 (cited by Labcorp Genetics (formerly Invitae), Labcorp); PubMed 30859559 (cited by Labcorp Genetics (formerly Invitae), Labcorp); PubMed 38413718 (cited by Labcorp Genetics (formerly Invitae), Labcorp).

NM_006767.4(LZTR1):c.401-2_401-1del

Gene: LZTR1 (leucine zipper like post translational regulator 1; plus strand). Cytogenetic location: 22q11.21.
Variant type: Deletion.
Coding change: c.401-2_401-1del on transcript NM_006767.4 (MANE Select); the canonical splice acceptor site of the intron before coding-DNA position 401, 2 bases deleted (AG; older notation c.401-2_401-1delAG).
Molecular consequence: splice acceptor variant.
Genome position (GRCh38, 1-based): chr22:20,988,008-20,988,009, AG deleted. VCF-style (leftmost placement, unchanged base first): chr22-20988007-CAG-C. GRCh37 (hg19) VCF-style: chr22-21342296-CAG-C.
Identifiers: ClinVar variation 930614 (VCV000930614.17), dbSNP rs769200796, ClinGen allele CA10118428.